The following is an entry in ClinVar:

ClinVar aggregate classification (germline): Uncertain significance (1 of 4 stars; one submission).

Conditions:
DICER1-related tumor predisposition. Also called: DICER1 syndrome; DICER1-related pleuropulmonary blastoma cancer predisposition syndrome. Identifiers: Orphanet 284343, MedGen C3839822, MONDO:0100216.

Submission:

Labcorp Genetics (formerly Invitae), Labcorp
Classification: Uncertain significance for DICER1-related tumor predisposition. Last evaluated: 2021-10-02. Review status: criteria provided, single submitter. Criteria: Invitae Variant Classification Sherloc (09022015). Collection method: clinical testing. Allele origin: germline.
Comment: In summary, the available evidence is currently insufficient to determine the role of this variant in disease. Therefore, it has been classified as a Variant of Uncertain Significance. Algorithms developed to predict the effect of missense changes on protein structure and function are either unavailable or do not agree on the potential impact of this missense change (SIFT: "Deleterious"; PolyPhen-2: "Probably Damaging"; Align-GVGD: "Class C0"). This variant has not been reported in the literature in individuals affected with DICER1-related conditions. This variant is not present in population databases (ExAC no frequency). This sequence change replaces proline with histidine at codon 780 of the DICER1 protein (p.Pro780His). The proline residue is highly conserved and there is a moderate physicochemical difference between proline and histidine.

NM_177438.3(DICER1):c.2339C>A (p.Pro780His)

Gene: DICER1 (dicer 1, ribonuclease III; minus strand). Cytogenetic location: 14q32.13.
Variant type: single nucleotide variant.
Coding change: c.2339C>A on transcript NM_177438.3 (MANE Select); coding-DNA position 2339, C replaced by A.
Protein change: p.Pro780His; replaces proline 780 with histidine.
Molecular consequence: missense variant.
Genome position (GRCh38, 1-based): chr14:95,108,421, G>T on the plus strand (C>A on the coding strand, the complement: DICER1 is on the minus strand). VCF-style: chr14-95108421-G-T. GRCh37 (hg19) VCF-style: chr14-95574758-G-T.
Other names: c.2339C>A, p.Pro780His (NM_001195573.1, NM_001271282.3, NM_001291628.2 and 1 more transcripts); short protein forms P780H.
Identifiers: ClinVar variation 1384163 (VCV001384163.7), dbSNP rs2140032662, ClinGen allele CA390882260.
Genomic context (GRCh38, chr14:95,108,421, plus strand): 5'-CTTGTGGTATCTTCAGGAGGATAGAGCTTCCGCCTTCTAAAGTTGAGTTCATCAGGTAAA[G>T]GTGTAGTTAAAACCATTCCTATCACATACAGGTAACAGGGCTGATCAGGTCTGGGATAAC-3'
Protein context (NP_803187.1, residues 770-790): LYVIGMVLTT[Pro780His]LPDELNFRRR